The following is an entry in ClinVar:

NM_014140.4(SMARCAL1):c.1483C>T (p.Gln495Ter)

Gene: SMARCAL1 (SNF2 related chromatin remodeling annealing helicase 1; plus strand). Cytogenetic location: 2q35.
Variant type: single nucleotide variant.
Coding change: c.1483C>T on transcript NM_014140.4 (MANE Select); coding-DNA position 1483, C replaced by T.
Protein change: p.Gln495Ter; replaces glutamine 495 with a stop codon.
Molecular consequence: nonsense.
Genome position (GRCh38, 1-based): chr2:216,432,866, C>T. VCF-style: chr2-216432866-C-T. GRCh37 (hg19) VCF-style: chr2-217297589-C-T.
Other names: c.1483C>T, p.Gln495Ter (NM_001127207.2); short protein forms Q495*.
Identifiers: ClinVar variation 504092 (VCV000504092.3), dbSNP rs1553526228, ClinGen allele CA350500275.
Genomic context (GRCh38, chr2:216,432,866, plus strand): 5'-TACCGGAAGGAGTGGCCGCTCCTGGTGGTGGTGCCATCCTCCGTGCGCTTCACCTGGGAG[C>T]AGGTTAATGGTCTTCAAATTGCAGTTTTCACAGAGAAGGTTTTCTTCAGTGTTAGAGTCA-3'

ClinVar aggregate classification (germline): Pathogenic/Likely pathogenic. Review status: criteria provided, multiple submitters, no conflicts (2 of 4 stars). 2 submissions from 2 submitters: Pathogenic (1); Likely pathogenic (1). Last evaluated 2022-04-14.

Conditions:
Schimke immuno-osseous dysplasia (SIOD). Also called: Schimke Immunoosseous Dysplasia. Identifiers: Orphanet 1830, MedGen C0877024, MONDO:0009458, OMIM 242900.

Allele frequency attached by ClinVar (database versions not stated): gnomAD exomes below 0.00001; TOPMed below 0.00001.
gnomAD v4.1: 1 of 1,614,188 alleles (0.000062%); highest among the groups gnomAD compares: Non-Finnish European, 0.000085%; no homozygotes.

Submissions (2):

Fulgent Genetics
Classification: Likely pathogenic for Schimke immuno-osseous dysplasia. Last evaluated: 2022-04-14. Review status: criteria provided, single submitter. Criteria: ACMG Guidelines, 2015. Collection method: clinical testing. Allele origin: unknown.

GeneDx
Classification: Pathogenic. Last evaluated: 2018-02-20. Review status: criteria provided, single submitter. Criteria: GeneDx Variant Classification (06012015). Collection method: clinical testing. Allele origin: germline. Affected: yes.
Comment: The Q495X variant in the SMARCAL1 gene has not been reported previously as a pathogenic variant nor as a benign variant, to our knowledge. This variant is predicted to cause loss of normal protein function either through protein truncation or nonsense-mediated mRNA decay. The Q495X variant is not observed in large population cohorts (Lek et al., 2016). We interpret Q495X as a pathogenic variant.